The following is an entry in ClinVar:

NM_014946.4(SPAST):c.1159G>A (p.Gly387Arg)

Gene: SPAST (spastin; plus strand). Cytogenetic location: 2p22.3.
Variant type: single nucleotide variant.
Coding change: c.1159G>A on transcript NM_014946.4 (MANE Select); coding-DNA position 1159, G replaced by A.
Protein change: p.Gly387Arg; replaces glycine 387 with arginine.
Molecular consequence: missense variant.
Genome position (GRCh38, 1-based): chr2:32,127,008, G>A. VCF-style: chr2-32127008-G-A. GRCh37 (hg19) VCF-style: chr2-32352077-G-A.
Other names: c.1156G>A, p.Gly386Arg (NM_001363823.2); c.1060G>A, p.Gly354Arg (NM_001363875.2); c.1063G>A, p.Gly355Arg (NM_001377959.1, NM_199436.2); short protein forms G355R, G354R, G386R, G387R.
Identifiers: ClinVar variation 847453 (VCV000847453.10), dbSNP rs1679217117, ClinGen allele CA346501317.
Genomic context (GRCh38, chr2:32,127,008, plus strand): 5'-TTGTTCACAGGGCTTAGAGCTCCTGCCAGAGGGCTGTTACTCTTTGGTCCACCTGGGAAT[G>A]GGAAGACAATGCTGGTAAGGGTTCTCTTCAAATTTGAGTTTTCTGTTGAGATATTTGGGA-3'
Protein context (NP_055761.2, residues 377-397): GLLLFGPPGN[Gly387Arg]KTMLAKAVAA

ClinVar aggregate classification (germline): Likely pathogenic (1 of 4 stars; one submission).

Conditions:
Hereditary spastic paraplegia 4. Also called: Spastic Paraplegia 4; Familial spastic paraplegia autosomal dominant 2; Spastic paraplegia 4, autosomal dominant. Identifiers: Orphanet 100985, MedGen C1866855, MONDO:0008438, OMIM 182601.

Submission:

Labcorp Genetics (formerly Invitae), Labcorp
Classification: Likely pathogenic for Hereditary spastic paraplegia 4. Last evaluated: 2021-05-27. Review status: criteria provided, single submitter. Criteria: Invitae Variant Classification Sherloc (09022015). Collection method: clinical testing. Allele origin: germline.
Comment: In summary, the currently available evidence indicates that the variant is pathogenic, but additional data are needed to prove that conclusively. Therefore, this variant has been classified as Likely Pathogenic. Algorithms developed to predict the effect of sequence changes on RNA splicing suggest that this variant may create or strengthen a splice site, but this prediction has not been confirmed by published transcriptional studies. Advanced modeling of protein sequence and biophysical properties (such as structural, functional, and spatial information, amino acid conservation, physicochemical variation, residue mobility, and thermodynamic stability) performed at Invitae indicates that this missense variant is expected to disrupt SPAST protein function. This variant has been observed in individual(s) with clinical features of hereditary spastic paraplegia (Invitae). It has also been observed to segregate with disease in related individuals. ClinVar contains an entry for this variant (Variation ID: 847453). This variant is not present in population databases (ExAC no frequency). This sequence change replaces glycine with arginine at codon 387 of the SPAST protein (p.Gly387Arg). The glycine residue is highly conserved and there is a moderate physicochemical difference between glycine and arginine.